The following is an entry in ClinVar:

NM_024757.5(EHMT1):c.2713-1G>A

Gene: EHMT1 (euchromatic histone lysine methyltransferase 1; plus strand). Cytogenetic location: 9q34.3.
Variant type: single nucleotide variant.
Coding change: c.2713-1G>A on transcript NM_024757.5 (MANE Select); the canonical splice acceptor site of the intron before coding-DNA position 2713, G replaced by A.
Molecular consequence: splice acceptor variant.
Genome position (GRCh38, 1-based): chr9:137,811,460, G>A. VCF-style: chr9-137811460-G-A. GRCh37 (hg19) VCF-style: chr9-140705912-G-A.
Other names: c.2692-1G>A (NM_001354263.2).
Identifiers: ClinVar variation 546455 (VCV000546455.3), dbSNP rs1554895172, ClinGen allele CA375791085.

ClinVar aggregate classification (germline): Pathogenic (1 of 4 stars; one submission).

Submission:

GeneDx
Classification: Pathogenic. Last evaluated: 2020-06-08. Review status: criteria provided, single submitter. Criteria: GeneDx Variant Classification Process June 2021. Collection method: clinical testing. Allele origin: germline. Affected: yes.
Comment: Canonical splice site variant predicted to result in a null allele in a gene for which loss-of-function is a known mechanism of disease; Not observed in large population cohorts (Lek et al., 2016); Has not been previously published as pathogenic or benign to our knowledge